The following is an entry in ClinVar:

NM_000195.5(HPS1):c.1107G>A (p.Met369Ile)

Gene: HPS1 (HPS1 biogenesis of lysosomal organelles complex 3 subunit 1; minus strand). Cytogenetic location: 10q24.2.
Variant type: single nucleotide variant.
Coding change: c.1107G>A on transcript NM_000195.5 (MANE Select); coding-DNA position 1107, G replaced by A.
Protein change: p.Met369Ile; replaces methionine 369 with isoleucine.
Molecular consequence: missense variant.
Genome position (GRCh38, 1-based): chr10:98,425,866, C>T on the plus strand (G>A on the coding strand, the complement: HPS1 is on the minus strand). VCF-style: chr10-98425866-C-T. GRCh37 (hg19) VCF-style: chr10-100185623-C-T.
Other names: c.135G>A, p.Met45Ile (NM_001311345.2, NM_001322487.2, NM_001322489.2); c.1107G>A, p.Met369Ile (NM_001322476.2, NM_001322477.2); c.1008G>A, p.Met336Ile (NM_001322478.2, NM_001322479.2); c.846G>A, p.Met282Ile (NM_001322480.2, NM_001322481.2); c.747G>A, p.Met249Ile (NM_001322482.2); c.738G>A, p.Met246Ile (NM_001322483.2, NM_001322484.2); c.639G>A, p.Met213Ile (NM_001322485.2); short protein forms M213I, M246I, M249I, M282I, M336I, M369I, M45I.
Identifiers: ClinVar variation 1021977 (VCV001021977.3), dbSNP rs374952573, ClinGen allele CA212764047.
Genomic context (GRCh38, chr10:98,425,866, plus strand): 5'-GGGCTCTCCTACCCTGGTCAGGAGCACCAGGTTGATGCCCTGCCACAGGGGCAGGCAGTA[C>T]ATGGTGTGGGGCACTAGGGGGCAGTAGCTTTCCTTCACGTTGGCATCCAGGAAGATCCTT-3'
Protein context (NP_000186.2, residues 359-379): ESYCPLVPHT[Met369Ile]YCLPLWQGIN

ClinVar aggregate classification (germline): Uncertain significance. Review status: criteria provided, single submitter (1 of 4 stars). 2 submissions from 2 submitters: Uncertain significance (1). 1 of the submissions does not count toward it. Last evaluated 2022-06-20.

Conditions:
Hermansky-Pudlak syndrome (HPS). Also called: ALBINISM WITH HEMORRHAGIC DIATHESIS AND PIGMENTED RETICULOENDOTHELIAL CELLS. Identifiers: Orphanet 79430, MedGen C0079504, MONDO:0019312.

Submissions (2):

Labcorp Genetics (formerly Invitae), Labcorp
Classification: Uncertain significance. Last evaluated: 2022-06-20. Review status: criteria provided, single submitter. Criteria: Invitae Variant Classification Sherloc (09022015). Collection method: clinical testing. Allele origin: germline.
Comment: This sequence change replaces methionine, which is neutral and non-polar, with isoleucine, which is neutral and non-polar, at codon 369 of the HPS1 protein (p.Met369Ile). This variant is not present in population databases (gnomAD no frequency). This variant has not been reported in the literature in individuals affected with HPS1-related conditions. ClinVar contains an entry for this variant (Variation ID: 1021977). Algorithms developed to predict the effect of missense changes on protein structure and function (SIFT, PolyPhen-2, Align-GVGD) all suggest that this variant is likely to be tolerated. In summary, the available evidence is currently insufficient to determine the role of this variant in disease. Therefore, it has been classified as a Variant of Uncertain Significance.

Natera, Inc.
Classification: Uncertain significance for Hermansky-Pudlak syndrome. Last evaluated: 2020-11-18. Review status: no assertion criteria provided. Collection method: clinical testing. Allele origin: germline. Not counted in ClinVar's aggregate classification.